The following is an entry in ClinVar:

NM_000059.4(BRCA2):c.8332-3243G>T

Gene: BRCA2 (BRCA2 DNA repair associated; plus strand). Cytogenetic location: 13q13.1.
Variant type: single nucleotide variant.
Coding change: c.8332-3243G>T on transcript NM_000059.4 (MANE Select); 3243 bases into the intron before coding-DNA position 8332, G replaced by T.
Molecular consequence: intron variant.
Genome position (GRCh38, 1-based): chr13:32,367,159, G>T. VCF-style: chr13-32367159-G-T. GRCh37 (hg19) VCF-style: chr13-32941296-G-T.
Other names: IVS 18-3243G>T.
Identifiers: ClinVar variation 209795 (VCV000209795.1), dbSNP rs116116976, ClinGen allele CA276763.

ClinVar aggregate classification (germline): Benign (3 of 4 stars; one submission).

Conditions:
Breast-ovarian cancer, familial, susceptibility to, 2 (BROVCA2). Also called: BRCA2 Hereditary Breast and Ovarian Cancer. Identifiers: Orphanet 145, MedGen C2675520, MONDO:0012933, OMIM 612555. Disease mechanism: loss of function.

Allele frequency attached by ClinVar (database versions not stated): gnomAD 0.00720 and 0.00769; TOPMed 0.00796; 1000 Genomes Project 0.00899; 1000 Genomes Project 30x 0.00984.
gnomAD v4.1: 1,077 of 152,258 alleles (0.71%); highest among the groups gnomAD compares: African/African-American, 2.5%; 13 homozygotes.

Submission:

Evidence-based Network for the Interpretation of Germline Mutant Alleles (ENIGMA)
Classification: Benign for Breast-ovarian cancer, familial 2. Last evaluated: 2015-01-12. Review status: reviewed by expert panel. Criteria: ENIGMA BRCA1/2 Classification Criteria (2015). Collection method: curation. Allele origin: germline.
Comment: Class 1 not pathogenic based on frequency >1% in an outbred sampleset. Frequency 0.02846 (African), derived from 1000 genomes (2012-04-30).